The following is an entry in ClinVar:

NM_020779.4(WDR35):c.2515A>G (p.Ile839Val)

Gene: WDR35 (WD repeat domain 35; minus strand). Cytogenetic location: 2p24.1.
Variant type: single nucleotide variant.
Coding change: c.2515A>G on transcript NM_020779.4 (MANE Select); coding-DNA position 2515, A replaced by G.
Protein change: p.Ile839Val; replaces isoleucine 839 with valine.
Molecular consequence: missense variant.
Genome position (GRCh38, 1-based): chr2:19,935,503, T>C on the plus strand (A>G on the coding strand, the complement: WDR35 is on the minus strand). VCF-style: chr2-19935503-T-C. GRCh37 (hg19) VCF-style: chr2-20135264-T-C.
Other names: c.2548A>G, p.Ile850Val (NM_001006657.2); short protein forms I850V, I839V.
Identifiers: ClinVar variation 333379 (VCV000333379.9), dbSNP rs763618858, ClinGen allele CA1542926.
Genomic context (GRCh38, chr2:19,935,503, plus strand): 5'-TCCAAAAACTAAAATTTGCAATACCTACTGGAAGTAACTTGTGGTTTTCTGGAAGTGAAA[T>C]GGCAAGGTTCTCTAACCCTTCATAATCCTCTAACATATAGTAACATTCAGCTAAGCGTTC-3'
Protein context (NP_065830.2, residues 829-849): EDYEGLENLA[Ile839Val]SLPENHKLLP

ClinVar aggregate classification (germline): Uncertain significance. Review status: criteria provided, multiple submitters, no conflicts (2 of 4 stars). 5 submissions from 4 submitters: Uncertain significance (5). Last evaluated 2024-12-26.

Conditions:
Short-rib thoracic dysplasia 7 with or without polydactyly (SRTD7). Also called: Short rib polydactyly syndrome 5; SHORT-RIB THORACIC DYSPLASIA 7 WITH POLYDACTYLY. Identifiers: Orphanet 498497, Orphanet 93271, MedGen C3279792, MONDO:0013569, OMIM 614091.
Cranioectodermal dysplasia 2 (CED2). Identifiers: Orphanet 1515, MedGen C3150874, MONDO:0013323, OMIM 613610.

Allele frequency attached by ClinVar (database versions not stated): ExAC 0.00001; gnomAD exomes 0.00002 and 0.00010; TOPMed 0.00004; gnomAD 0.00005.
gnomAD v4.1: 152 of 1,612,928 alleles (0.0094%); highest among the groups gnomAD compares: Non-Finnish European, 0.012%; no homozygotes.

Submissions (5):

GeneDx
Classification: Uncertain significance. Last evaluated: 2024-12-26. Review status: criteria provided, single submitter. Criteria: GeneDx Variant Classification Process June 2021. Collection method: clinical testing. Allele origin: germline. Affected: yes.
Comment: In silico analysis indicates that this missense variant does not alter protein structure/function; Has not been previously published as pathogenic or benign to our knowledge

Fulgent Genetics
Classification: Uncertain significance for Cranioectodermal dysplasia 2; Short-rib thoracic dysplasia 7 with or without polydactyly. Last evaluated: 2024-06-06. Review status: criteria provided, single submitter. Criteria: ACMG Guidelines, 2015. Collection method: clinical testing. Allele origin: germline.

Labcorp Genetics (formerly Invitae), Labcorp
Classification: Uncertain significance for Cranioectodermal dysplasia 2; Short-rib thoracic dysplasia 7 with or without polydactyly. Last evaluated: 2022-03-09. Review status: criteria provided, single submitter. Criteria: Invitae Variant Classification Sherloc (09022015). Collection method: clinical testing. Allele origin: germline.
Comment: This sequence change replaces isoleucine, which is neutral and non-polar, with valine, which is neutral and non-polar, at codon 850 of the WDR35 protein (p.Ile850Val). This variant is present in population databases (rs763618858, gnomAD 0.009%). This variant has not been reported in the literature in individuals affected with WDR35-related conditions. ClinVar contains an entry for this variant (Variation ID: 333379). Algorithms developed to predict the effect of missense changes on protein structure and function output the following: SIFT: "Tolerated"; PolyPhen-2: "Benign"; Align-GVGD: "Class C0". The valine amino acid residue is found in multiple mammalian species, which suggests that this missense change does not adversely affect protein function. In summary, the available evidence is currently insufficient to determine the role of this variant in disease. Therefore, it has been classified as a Variant of Uncertain Significance.

Illumina Laboratory Services, Illumina
Classification: Uncertain significance for Short-rib thoracic dysplasia 7 with or without polydactyly. Last evaluated: 2018-01-13. Review status: criteria provided, single submitter. Criteria: ICSL Variant Classification Criteria 13 December 2019. Collection method: clinical testing. Allele origin: germline.

Illumina Laboratory Services, Illumina
Classification: Uncertain significance for Cranioectodermal dysplasia 2. Last evaluated: 2018-01-13. Review status: criteria provided, single submitter. Criteria: ICSL Variant Classification Criteria 13 December 2019. Collection method: clinical testing. Allele origin: germline.